The following is an entry in ClinVar:

ClinVar aggregate classification (germline): Benign/Likely benign. Review status: criteria provided, multiple submitters, no conflicts (2 of 4 stars). 4 submissions from 4 submitters: Benign (1); Likely benign (2). 1 of the submissions does not count toward it. Last evaluated 2026-04-15.

Conditions:
DICER1-related disorder. Also called: DICER1-related condition.
Hereditary cancer-predisposing syndrome. Also called: Hereditary Cancer Syndrome; Neoplastic Syndromes, Hereditary; Hereditary neoplastic syndrome; Tumor predisposition. Identifiers: Orphanet 140162, MedGen C0027672, MeSH D009386, MONDO:0015356.
DICER1-related tumor predisposition. Also called: DICER1-related pleuropulmonary blastoma cancer predisposition syndrome; DICER1 syndrome. Identifiers: Orphanet 284343, MedGen C3839822, MONDO:0100216.

Allele frequency attached by ClinVar (database versions not stated): gnomAD exomes 0.00001.

Submissions (4):

Myriad Genetics, Inc.
Classification: Benign for DICER1-related tumor predisposition. Last evaluated: 2026-04-15. Review status: criteria provided, single submitter. Criteria: Myriad Autosomal Dominant, Autosomal Recessive and X-Linked Classification Criteria (2023). Collection method: clinical testing. Allele origin: unknown.
Comment: This variant is considered benign. This variant is a silent/synonymous amino acid change and it is not expected to impact splicing.

Labcorp Genetics (formerly Invitae), Labcorp
Classification: Likely benign for DICER1-related tumor predisposition. Last evaluated: 2022-01-04. Review status: criteria provided, single submitter. Criteria: Invitae Variant Classification Sherloc (09022015). Collection method: clinical testing. Allele origin: germline.

Ambry Genetics
Classification: Likely benign for Hereditary cancer-predisposing syndrome. Last evaluated: 2018-02-09. Review status: criteria provided, single submitter. Criteria: Ambry Variant Classification Scheme 2023. Collection method: clinical testing. Allele origin: germline.

PreventionGenetics, part of Exact Sciences
Classification: Likely benign for DICER1-related condition. Last evaluated: 2024-06-06. Review status: no assertion criteria provided. Collection method: clinical testing. Allele origin: germline. Not counted in ClinVar's aggregate classification.
Comment: This variant is classified as likely benign based on ACMG/AMP sequence variant interpretation guidelines (Richards et al. 2015 PMID: 25741868, with internal and published modifications).

NM_177438.3(DICER1):c.514T>C (p.Leu172=)

Gene: DICER1 (dicer 1, ribonuclease III; minus strand). Cytogenetic location: 14q32.13.
Variant type: single nucleotide variant.
Coding change: c.514T>C on transcript NM_177438.3 (MANE Select); coding-DNA position 514, T replaced by C.
Protein change: p.Leu172=; no amino-acid change (leucine 172 retained).
Molecular consequence: synonymous variant.
Genome position (GRCh38, 1-based): chr14:95,130,117, A>G on the plus strand (T>C on the coding strand, the complement: DICER1 is on the minus strand). VCF-style: chr14-95130117-A-G. GRCh37 (hg19) VCF-style: chr14-95596454-A-G.
Other names: c.514T>C, p.Leu172= (NM_001195573.1, NM_001271282.3, NM_001291628.2 and 1 more transcripts).
Identifiers: ClinVar variation 417084 (VCV000417084.16), dbSNP rs1060504972, ClinGen allele CA16614424.